The following is an entry in ClinVar:

ClinVar aggregate classification (germline): Uncertain significance (1 of 4 stars; one submission).

Conditions:
Diffuse cerebral and cerebellar atrophy - intractable seizures - progressive microcephaly syndrome. Also called: Microcephaly, progressive, with seizures and cerebral and cerebellar atrophy. Identifiers: Orphanet 404437, MedGen C4014239, MONDO:0014335, OMIM 615760.

Submission:

Labcorp Genetics (formerly Invitae), Labcorp
Classification: Uncertain significance for Diffuse cerebral and cerebellar atrophy - intractable seizures - progressive microcephaly syndrome. Last evaluated: 2018-09-26. Review status: criteria provided, single submitter. Criteria: Invitae Variant Classification Sherloc (09022015). Collection method: clinical testing. Allele origin: germline.
Comment: Algorithms developed to predict the effect of missense changes on protein structure and function are either unavailable or do not agree on the potential impact of this missense change (SIFT: "Tolerated"; PolyPhen-2: "Possibly Damaging"; Align-GVGD: "Class C0"). In summary, the available evidence is currently insufficient to determine the role of this variant in disease. Therefore, it has been classified as a Variant of Uncertain Significance. This variant has not been reported in the literature in individuals with QARS-related disease. This sequence change replaces leucine with serine at codon 99 of the QARS protein (p.Leu99Ser). The leucine residue is weakly conserved and there is a large physicochemical difference between leucine and serine. This variant is not present in population databases (ExAC no frequency).

NM_005051.3(QARS1):c.296T>C (p.Leu99Ser)

Gene: QARS1 (glutaminyl-tRNA synthetase 1; minus strand). Cytogenetic location: 3p21.31.
Variant type: single nucleotide variant.
Coding change: c.296T>C on transcript NM_005051.3 (MANE Select); coding-DNA position 296, T replaced by C.
Protein change: p.Leu99Ser; replaces leucine 99 with serine.
Molecular consequence: missense variant. On other transcripts: non-coding transcript variant (1).
Genome position (GRCh38, 1-based): chr3:49,103,942, A>G on the plus strand (T>C on the coding strand, the complement: QARS1 is on the minus strand). VCF-style: chr3-49103942-A-G. GRCh37 (hg19) VCF-style: chr3-49141375-A-G.
Other names: c.263T>C, p.Leu88Ser (NM_001272073.2); short protein forms L88S, L99S.
Identifiers: ClinVar variation 1060283 (VCV001060283.4), dbSNP rs2107112761, ClinGen allele CA352720985.